The following is an entry in ClinVar:

ClinVar aggregate classification (germline): Pathogenic. Review status: criteria provided, multiple submitters, no conflicts (2 of 4 stars). 3 submissions from 3 submitters: Pathogenic (2). 1 of the submissions does not count toward it. Last evaluated 2025-12-21.

Conditions:
Yunis-Varon syndrome (YVS). Also called: Cleidocranial dysplasia, micrognathia, absent thumbs, & distal aphalangia. Identifiers: Orphanet 3472, MedGen C1857663, MONDO:0008995, OMIM 216340.
Charcot-Marie-Tooth disease type 4J (CMT4J). Also called: Charcot-Marie-Tooth Neuropathy Type 4J; CHARCOT-MARIE-TOOTH DISEASE, AUTOSOMAL RECESSIVE, TYPE 4J; CHARCOT-MARIE-TOOTH DISEASE, DEMYELINATING, TYPE 4J. Identifiers: Orphanet 139515, MedGen C1970011, MONDO:0012640, OMIM 611228.
Charcot-Marie-Tooth disease type 4. Also called: Charcot-Marie-Tooth disease, type IV; Charcot-Marie-Tooth, Type 4. Identifiers: Orphanet 64749, MedGen C4082197, MONDO:0018995.

Allele frequency attached by ClinVar (database versions not stated): gnomAD exomes below 0.00001.

Submissions (3):

Labcorp Genetics (formerly Invitae), Labcorp
Classification: Pathogenic for Charcot-Marie-Tooth disease type 4. Last evaluated: 2025-12-21. Review status: criteria provided, single submitter. Criteria: Invitae Variant Classification Sherloc (09022015). Collection method: clinical testing. Allele origin: germline.
Comment: This sequence change creates a premature translational stop signal (p.Leu726Ilefs*7) in the FIG4 gene. It is expected to result in an absent or disrupted protein product. Loss-of-function variants in FIG4 are known to be pathogenic (PMID: 23623387, 30740813). This variant is present in population databases (no rsID available, gnomAD 0.006%). This premature translational stop signal has been observed in individual(s) with Yunis-varon syndrome (PMID: 34567078). ClinVar contains an entry for this variant (Variation ID: 1299662). For these reasons, this variant has been classified as Pathogenic.

Juno Genomics, Hangzhou Juno Genomics, Inc
Classification: Pathogenic for Yunis-Varon syndrome. Review status: criteria provided, single submitter. Criteria: ACMG Guidelines, 2015. Collection method: clinical testing. Allele origin: germline.
Comment: Absent from controls (or at extremely low frequency if recessive) in Genome Aggregation Database.;Null variant in a gene where loss of function (LOF) is a known mechanism of disease.;For recessive disorders, detected in trans with a pathogenic variant.

Center for Molecular Medicine, Children’s Hospital of Fudan University
Classification: Pathogenic for Charcot-Marie-Tooth disease type 4J. Last evaluated: 2021-10-05. Review status: no assertion criteria provided. Collection method: clinical testing. Allele origin: maternal. Affected: yes. Not counted in ClinVar's aggregate classification.

Literature cited by the submitters: PubMed 23623387 (cited by Labcorp Genetics (formerly Invitae), Labcorp); PubMed 30740813 (cited by Labcorp Genetics (formerly Invitae), Labcorp); PubMed 34567078 (cited by Labcorp Genetics (formerly Invitae), Labcorp).

NM_014845.6(FIG4):c.2174dup (p.Leu726fs)

Gene: FIG4 (FIG4 phosphoinositide 5-phosphatase; plus strand). Cytogenetic location: 6q21.
Variant type: Duplication.
Coding change: c.2174dup on transcript NM_014845.6 (MANE Select); coding-DNA position 2174, one base duplicated (T; older notation c.2174dupT).
Protein change: p.Leu726fs; shifts the reading frame from leucine 726.
Molecular consequence: frameshift variant.
Genome position (GRCh38, 1-based): chr6:109,789,671, T duplicated. VCF-style (leftmost placement, unchanged base first): chr6-109789670-G-GT. GRCh37 (hg19) VCF-style: chr6-110110873-G-GT.
Other names: c.2173_2173delinsGT (NM_014845.6); short protein forms L726fs.
Identifiers: ClinVar variation 1299662 (VCV001299662.7), dbSNP rs1562685713, ClinGen allele CA569602016.